The following is an entry in ClinVar:

NM_020919.4(ALS2):c.4228G>C (p.Glu1410Gln)

Gene: ALS2 (alsin Rho guanine nucleotide exchange factor ALS2; minus strand). Cytogenetic location: 2q33.1.
Variant type: single nucleotide variant.
Coding change: c.4228G>C on transcript NM_020919.4 (MANE Select); coding-DNA position 4228, G replaced by C.
Protein change: p.Glu1410Gln; replaces glutamic acid 1410 with glutamine.
Molecular consequence: missense variant.
Genome position (GRCh38, 1-based): chr2:201,709,933, C>G on the plus strand (G>C on the coding strand, the complement: ALS2 is on the minus strand). VCF-style: chr2-201709933-C-G. GRCh37 (hg19) VCF-style: chr2-202574656-C-G.
Other names: short protein forms E1410Q.
Identifiers: ClinVar variation 1309622 (VCV001309622.2), dbSNP rs1450344301, ClinGen allele CA350323432.

ClinVar aggregate classification (germline): Uncertain significance (1 of 4 stars; one submission).

Allele frequency attached by ClinVar (database versions not stated): TOPMed 0.00001; gnomAD 0.00001.
gnomAD v4.1: 1 of 1,614,040 alleles (0.000062%); highest among the groups gnomAD compares: African/African-American, 0.0013%; no homozygotes.

Submission:

GeneDx
Classification: Uncertain significance. Last evaluated: 2019-11-11. Review status: criteria provided, single submitter. Criteria: GeneDx Variant Classification Process June 2021. Collection method: clinical testing. Allele origin: germline. Affected: yes.
Comment: Not observed in large population cohorts (Lek et al., 2016); In silico analysis, which includes protein predictors and evolutionary conservation, supports that this variant does not alter protein structure/function; Has not been previously published as pathogenic or benign to our knowledge